The following is an entry in ClinVar:

ClinVar aggregate classification (germline): Uncertain significance (1 of 4 stars; one submission).

Conditions:
Hereditary cancer-predisposing syndrome. Also called: Tumor predisposition; Hereditary neoplastic syndrome; Hereditary Cancer Syndrome; Neoplastic Syndromes, Hereditary. Identifiers: Orphanet 140162, MedGen C0027672, MeSH D009386, MONDO:0015356.

Submission:

Ambry Genetics
Classification: Uncertain significance for Hereditary cancer-predisposing syndrome. Last evaluated: 2025-03-26. Review status: criteria provided, single submitter. Criteria: Ambry Variant Classification Scheme 2023. Collection method: clinical testing. Allele origin: germline.
Comment: The p.E405D variant (also known as c.1215A>T), located in coding exon 8 of the RAD50 gene, results from an A to T substitution at nucleotide position 1215. The glutamic acid at codon 405 is replaced by aspartic acid, an amino acid with highly similar properties. This amino acid position is conserved. In addition, this alteration is predicted to be tolerated by in silico analysis. Based on the available evidence, the clinical significance of this variant remains unclear.

NM_005732.4(RAD50):c.1215A>T (p.Glu405Asp)

Gene: RAD50 (RAD50 double strand break repair protein; plus strand). Cytogenetic location: 5q31.1.
Variant type: single nucleotide variant.
Coding change: c.1215A>T on transcript NM_005732.4 (MANE Select); coding-DNA position 1215, A replaced by T.
Protein change: p.Glu405Asp; replaces glutamic acid 405 with aspartic acid.
Molecular consequence: missense variant.
Genome position (GRCh38, 1-based): chr5:132,588,850, A>T. VCF-style: chr5-132588850-A-T. GRCh37 (hg19) VCF-style: chr5-131924542-A-T.
Other names: short protein forms E405D.
Identifiers: ClinVar variation 3942157 (VCV003942157.1).